The following is an entry in ClinVar:

NM_015338.6(ASXL1):c.3787C>G (p.Pro1263Ala)

Gene: ASXL1 (ASXL transcriptional regulator 1; plus strand). Cytogenetic location: 20q11.21.
Variant type: single nucleotide variant.
Coding change: c.3787C>G on transcript NM_015338.6 (MANE Select); coding-DNA position 3787, C replaced by G.
Protein change: p.Pro1263Ala; replaces proline 1263 with alanine.
Molecular consequence: missense variant.
Genome position (GRCh38, 1-based): chr20:32,436,499, C>G. VCF-style: chr20-32436499-C-G. GRCh37 (hg19) VCF-style: chr20-31024302-C-G.
Other names: c.3604C>G, p.Pro1202Ala (NM_001363734.1); short protein forms P1202A, P1263A.
Identifiers: ClinVar variation 3957301 (VCV003957301.1).
Genomic context (GRCh38, chr20:32,436,499, plus strand): 5'-CAGAAGGAAGTCCGTGCTATGTCACAGGACAGTAATTCAAATGCTGCTCCAGGAAAGAGC[C>G]CAGGAGATCTTACTACCTCGAGAACACCTCGTTTCTCATCTCCAAATGTGATCTCCTTTG-3'
Protein context (NP_056153.2, residues 1253-1273): SNSNAAPGKS[Pro1263Ala]GDLTTSRTPR

ClinVar aggregate classification (germline): Uncertain significance (1 of 4 stars; one submission).

Conditions:
Inborn genetic diseases. Identifiers: MedGen C0950123, MeSH D030342.

Submission:

Ambry Genetics
Classification: Uncertain significance for Inborn genetic diseases. Last evaluated: 2025-05-27. Review status: criteria provided, single submitter. Criteria: Ambry Variant Classification Scheme 2023. Collection method: clinical testing. Allele origin: germline.
Comment: The p.P1263A variant (also known as c.3787C>G), located in coding exon 13 of the ASXL1 gene, results from a C to G substitution at nucleotide position 3787. The proline at codon 1263 is replaced by alanine, an amino acid with highly similar properties. This amino acid position is conserved. In addition, this alteration is predicted to be tolerated by in silico analysis. Based on the available evidence, the clinical significance of this variant remains unclear.